The following is an entry in ClinVar:

NM_001256012.3(MYH10):c.2276A>G (p.Tyr759Cys)

Gene: MYH10 (myosin heavy chain 10; minus strand). Cytogenetic location: 17p13.1.
Variant type: single nucleotide variant.
Coding change: c.2276A>G on transcript NM_001256012.3 (MANE Select); coding-DNA position 2276, A replaced by G.
Protein change: p.Tyr759Cys; replaces tyrosine 759 with cysteine.
Molecular consequence: missense variant.
Genome position (GRCh38, 1-based): chr17:8,518,948, T>C on the plus strand (A>G on the coding strand, the complement: MYH10 is on the minus strand). VCF-style: chr17-8518948-T-C. GRCh37 (hg19) VCF-style: chr17-8422266-T-C.
Other names: c.2210A>G, p.Tyr737Cys (NM_001256095.2); c.2213A>G, p.Tyr738Cys (NM_001375266.1); c.2183A>G, p.Tyr728Cys (NM_005964.5); short protein forms Y728C, Y737C, Y738C, Y759C.
Identifiers: ClinVar variation 2446599 (VCV002446599.1), dbSNP rs2544375759, ClinGen allele CA398040492.
Genomic context (GRCh38, chr17:8,518,948, plus strand): 5'-TCACAGGCCTGTTTACCATCCATAAAACCTTTAGGAATAGCATTTGGAGTTAGGATCTCA[T>C]ATCTGTAAGAGAATATTCCAAGAAGTATTTTGTAGAAATTTGTGAACGATGTGTATCTAC-3'
Protein context (NP_001242941.1, residues 749-769): RIVFQEFRQR[Tyr759Cys]EILTPNAIPK

ClinVar aggregate classification (germline): Uncertain significance (1 of 4 stars; one submission).

Submission:

GeneDx
Classification: Uncertain significance. Last evaluated: 2022-09-28. Review status: criteria provided, single submitter. Criteria: GeneDx Variant Classification Process June 2021. Collection method: clinical testing. Allele origin: germline. Affected: yes.
Comment: Not observed at significant frequency in large population cohorts (gnomAD); In silico analysis supports that this missense variant has a deleterious effect on protein structure/function; Has not been previously published as pathogenic or benign to our knowledge